The following is an entry in ClinVar:

ClinVar aggregate classification (germline): Uncertain significance (1 of 4 stars; one submission).

Conditions:
Cardiovascular phenotype. Identifiers: MedGen CN230736.

Submission:

Ambry Genetics
Classification: Uncertain significance for Cardiovascular phenotype. Last evaluated: 2025-06-28. Review status: criteria provided, single submitter. Criteria: Ambry Variant Classification Scheme 2023. Collection method: clinical testing. Allele origin: germline.
Comment: The p.I3046V variant (also known as c.9136A>G), located in coding exon 26 of the APOB gene, results from an A to G substitution at nucleotide position 9136. The isoleucine at codon 3046 is replaced by valine, an amino acid with highly similar properties. This amino acid position is conserved. In addition, this alteration is predicted to be tolerated by in silico analysis. Based on the available evidence, the clinical significance of this variant remains unclear.

NM_000384.3(APOB):c.9136A>G (p.Ile3046Val)

Gene: APOB (apolipoprotein B; minus strand). Cytogenetic location: 2p24.1.
Variant type: single nucleotide variant.
Coding change: c.9136A>G on transcript NM_000384.3 (MANE Select); coding-DNA position 9136, A replaced by G.
Protein change: p.Ile3046Val; replaces isoleucine 3046 with valine.
Molecular consequence: missense variant.
Genome position (GRCh38, 1-based): chr2:21,007,732, T>C on the plus strand (A>G on the coding strand, the complement: APOB is on the minus strand). VCF-style: chr2-21007732-T-C. GRCh37 (hg19) VCF-style: chr2-21230604-T-C.
Other names: short protein forms I3046V.
Identifiers: ClinVar variation 4124932 (VCV004124932.1).